The following is an entry in ClinVar:

ClinVar aggregate classification (germline): Uncertain significance (1 of 4 stars; one submission).

Conditions:
Spastic paraplegia. Identifiers: MedGen C0037772, HP:0001258.

Allele frequency attached by ClinVar (database versions not stated): gnomAD exomes below 0.00001; TOPMed 0.00001.
gnomAD v4.1: 1 of 1,608,934 alleles (0.000062%); highest among the groups gnomAD compares: Non-Finnish European, 0.000085%; no homozygotes.

Submission:

Labcorp Genetics (formerly Invitae), Labcorp
Classification: Uncertain significance for Spastic paraplegia. Last evaluated: 2022-05-04. Review status: criteria provided, single submitter. Criteria: Invitae Variant Classification Sherloc (09022015). Collection method: clinical testing. Allele origin: germline.
Comment: In summary, the available evidence is currently insufficient to determine the role of this variant in disease. Therefore, it has been classified as a Variant of Uncertain Significance. Advanced modeling of protein sequence and biophysical properties (such as structural, functional, and spatial information, amino acid conservation, physicochemical variation, residue mobility, and thermodynamic stability) performed at Invitae indicates that this missense variant is not expected to disrupt KIF5A protein function. This variant has not been reported in the literature in individuals affected with KIF5A-related conditions. This variant is not present in population databases (gnomAD no frequency). This sequence change replaces serine, which is neutral and polar, with arginine, which is basic and polar, at codon 509 of the KIF5A protein (p.Ser509Arg).

NM_004984.4(KIF5A):c.1527C>A (p.Ser509Arg)

Gene: KIF5A (kinesin family member 5A; plus strand). Cytogenetic location: 12q13.3.
Variant type: single nucleotide variant.
Coding change: c.1527C>A on transcript NM_004984.4 (MANE Select); coding-DNA position 1527, C replaced by A.
Protein change: p.Ser509Arg; replaces serine 509 with arginine.
Molecular consequence: missense variant.
Genome position (GRCh38, 1-based): chr12:57,572,225, C>A. VCF-style: chr12-57572225-C-A. GRCh37 (hg19) VCF-style: chr12-57966008-C-A.
Other names: c.1260C>A, p.Ser420Arg (NM_001354705.2); short protein forms S420R, S509R.
Identifiers: ClinVar variation 2132191 (VCV002132191.4), dbSNP rs1002863375, ClinGen allele CA237785024.